The following is an entry in ClinVar:

ClinVar aggregate classification (germline): Uncertain significance (1 of 4 stars; one submission).

Conditions:
Autosomal dominant nonsyndromic hearing loss 36. Identifiers: Orphanet 90635, MedGen C1847626, MONDO:0011708, OMIM 606705.

Allele frequency attached by ClinVar (database versions not stated): gnomAD exomes below 0.00001.
gnomAD v4.1: 2 of 1,614,146 alleles (0.00012%); highest among the groups gnomAD compares: South Asian, 0.0022%; no homozygotes.

Submission:

3billion
Classification: Uncertain significance for Autosomal dominant nonsyndromic hearing loss 36. Last evaluated: 2022-01-03. Review status: criteria provided, single submitter. Criteria: ACMG Guidelines, 2015. Collection method: clinical testing. Allele origin: germline. Affected: yes. Observed: 1 heterozygote.
Comment: The variant not observed in the gnomAD v2.1.1 dataset (PM2_M). In silico tool predictions suggest damaging effect of the variant on gene or gene product (3CNET: 0.882, PP3_P). Therefore, this variant is classified as uncertain significance according to the recommendation of ACMG/AMP guideline.

NM_138691.3(TMC1):c.1975C>A (p.Pro659Thr)

Gene: TMC1 (transmembrane channel like 1; plus strand). Cytogenetic location: 9q21.13.
Variant type: single nucleotide variant.
Coding change: c.1975C>A on transcript NM_138691.3 (MANE Select); coding-DNA position 1975, C replaced by A.
Protein change: p.Pro659Thr; replaces proline 659 with threonine.
Molecular consequence: missense variant.
Genome position (GRCh38, 1-based): chr9:72,821,053, C>A. VCF-style: chr9-72821053-C-A. GRCh37 (hg19) VCF-style: chr9-75435969-C-A.
Other names: short protein forms P659T.
Identifiers: ClinVar variation 1333340 (VCV001333340.1), dbSNP rs2118299337, ClinGen allele CA373670517.